The following is an entry in ClinVar:

ClinVar aggregate classification (germline): Benign/Likely benign. Review status: criteria provided, multiple submitters, no conflicts (2 of 4 stars). 2 submissions from 2 submitters: Benign (1); Likely benign (1). Last evaluated 2026-05-01.

Allele frequency attached by ClinVar (database versions not stated): gnomAD exomes 0.00009 and 0.00004; ExAC 0.00013; ESP Exome Variant Server 0.00038; gnomAD 0.00042 and 0.00048; TOPMed 0.00056.
gnomAD v4.1: 128 of 1,609,162 alleles (0.008%); highest among the groups gnomAD compares: African/African-American, 0.15%; no homozygotes.

Submissions (2):

CeGaT Center for Human Genetics Tuebingen
Classification: Likely benign. Last evaluated: 2026-05-01. Review status: criteria provided, single submitter. Criteria: CeGaT Center For Human Genetics Tuebingen Variant Classification Criteria Version 2. Collection method: clinical testing. Allele origin: germline. Affected: yes. Observed: 2 variant alleles.
Comment: RHOBTB2: BP4, BP7

Labcorp Genetics (formerly Invitae), Labcorp
Classification: Benign. Last evaluated: 2025-12-09. Review status: criteria provided, single submitter. Criteria: Invitae Variant Classification Sherloc (09022015). Collection method: clinical testing. Allele origin: germline.

NM_015178.3(RHOBTB2):c.795C>T (p.Cys265=)

Gene: RHOBTB2 (Rho related BTB domain containing 2; plus strand). Cytogenetic location: 8p21.3.
Variant type: single nucleotide variant.
Coding change: c.795C>T on transcript NM_015178.3 (MANE Select); coding-DNA position 795, C replaced by T.
Protein change: p.Cys265=; no amino-acid change (cysteine 265 retained).
Molecular consequence: synonymous variant.
Genome position (GRCh38, 1-based): chr8:23,007,040, C>T. VCF-style: chr8-23007040-C-T. GRCh37 (hg19) VCF-style: chr8-22864553-C-T.
Other names: c.861C>T, p.Cys287= (NM_001160036.2); c.816C>T, p.Cys272= (NM_001160037.2); c.795C>T, p.Cys265= (NM_001374791.1).
Identifiers: ClinVar variation 1611665 (VCV001611665.32), dbSNP rs146706431, ClinGen allele CA4672540.